The following is an entry in ClinVar:

NM_001844.5(COL2A1):c.376-1G>C

Gene: COL2A1 (collagen type II alpha 1 chain; minus strand). Cytogenetic location: 12q13.11.
Variant type: single nucleotide variant.
Coding change: c.376-1G>C on transcript NM_001844.5 (MANE Select); the canonical splice acceptor site of the intron before coding-DNA position 376, G replaced by C.
Molecular consequence: splice acceptor variant.
Genome position (GRCh38, 1-based): chr12:47,997,925, C>G on the plus strand (G>C on the coding strand, the complement: COL2A1 is on the minus strand). VCF-style: chr12-47997925-C-G. GRCh37 (hg19) VCF-style: chr12-48391708-C-G.
Other names: c.169-1G>C (NM_033150.3).
Identifiers: ClinVar variation 1067704 (VCV001067704.7), dbSNP rs1940039533, ClinGen allele CA384525053.
Genomic context (GRCh38, chr12:47,997,925, plus strand): 5'-ACTCACTTTTTCACCTTTGTCACCACGATCCCCTCTGGGTCCTTGTTCCCCTGCAGGTCC[C>G]TGAAGGTGAAGAACATGGTAAGATGACAGCAAGGCCAGGAGCCTGCAGATCAGTAACTTG-3'

ClinVar aggregate classification (germline): Likely pathogenic (1 of 4 stars; one submission).

Submission:

Labcorp Genetics (formerly Invitae), Labcorp
Classification: Likely pathogenic. Last evaluated: 2022-10-25. Review status: criteria provided, single submitter. Criteria: Invitae Variant Classification Sherloc (09022015). Collection method: clinical testing. Allele origin: germline.
Comment: This sequence change affects an acceptor splice site in intron 5 of the COL2A1 gene. It is expected to disrupt RNA splicing. Variants that disrupt the donor or acceptor splice site typically lead to a loss of protein function (PMID: 16199547), and loss-of-function variants in COL2A1 are known to be pathogenic (PMID: 20179744). This variant is not present in population databases (gnomAD no frequency). This variant has not been reported in the literature in individuals affected with COL2A1-related conditions. ClinVar contains an entry for this variant (Variation ID: 1067704). Algorithms developed to predict the effect of sequence changes on RNA splicing suggest that this variant may disrupt the consensus splice site. In summary, the currently available evidence indicates that the variant is pathogenic, but additional data are needed to prove that conclusively. Therefore, this variant has been classified as Likely Pathogenic.

Literature cited by the submitters: PubMed 16199547; PubMed 20179744.